The following is an entry in ClinVar:

ClinVar aggregate classification (germline): Likely pathogenic (1 of 4 stars; one submission).

Submission:

Labcorp Genetics (formerly Invitae), Labcorp
Classification: Likely pathogenic. Last evaluated: 2025-10-29. Review status: criteria provided, single submitter. Criteria: Invitae Variant Classification Sherloc (09022015). Collection method: clinical testing. Allele origin: germline.
Comment: This sequence change replaces leucine, which is neutral and non-polar, with valine, which is neutral and non-polar, at codon 122 of the KRT14 protein (p.Leu122Val). This variant is not present in population databases (gnomAD no frequency). This missense change has been observed in individuals with autosomal dominant epidermolysis bullosa simplex (PMID: 19267394; internal data). Invitae Evidence Modeling of protein sequence and biophysical properties (such as structural, functional, and spatial information, amino acid conservation, physicochemical variation, residue mobility, and thermodynamic stability) indicates that this missense variant is expected to disrupt KRT14 protein function with a positive predictive value of 80%. This variant disrupts the p.Leu122 amino acid residue in KRT14. Other variant(s) that disrupt this residue have been determined to be pathogenic (PMID: 32484238). This suggests that this residue is clinically significant, and that variants that disrupt this residue are likely to be disease-causing. In summary, the currently available evidence indicates that the variant is pathogenic, but additional data are needed to prove that conclusively. Therefore, this variant has been classified as Likely Pathogenic.

Literature cited by the submitters: PubMed 19267394; PubMed 32484238.

NM_000526.5(KRT14):c.364C>G (p.Leu122Val)

Gene: KRT14 (keratin 14; minus strand). Cytogenetic location: 17q21.2.
Variant type: single nucleotide variant.
Coding change: c.364C>G on transcript NM_000526.5 (MANE Select); coding-DNA position 364, C replaced by G.
Protein change: p.Leu122Val; replaces leucine 122 with valine.
Molecular consequence: missense variant.
Genome position (GRCh38, 1-based): chr17:41,586,471, G>C on the plus strand (C>G on the coding strand, the complement: KRT14 is on the minus strand). VCF-style: chr17-41586471-G-C. GRCh37 (hg19) VCF-style: chr17-39742723-G-C.
Other names: short protein forms L122V.
Identifiers: ClinVar variation 4710373 (VCV004710373.1).